The following is an entry in ClinVar:

NM_000038.6(APC):c.1970G>A (p.Arg657Lys)

Gene: APC (APC regulator of Wnt signaling pathway; plus strand). Cytogenetic location: 5q22.2.
Variant type: single nucleotide variant.
Coding change: c.1970G>A on transcript NM_000038.6 (MANE Select); coding-DNA position 1970, G replaced by A.
Protein change: p.Arg657Lys; replaces arginine 657 with lysine.
Molecular consequence: missense variant.
Genome position (GRCh38, 1-based): chr5:112,837,564, G>A. VCF-style: chr5-112837564-G-A. GRCh37 (hg19) VCF-style: chr5-112173261-G-A.
Other names: c.1970G>A, p.Arg657Lys (NM_001127510.3, NM_001354895.2, NM_001407450.1); c.1916G>A, p.Arg639Lys (NM_001127511.3); c.2024G>A, p.Arg675Lys (NM_001354896.2, NM_001407447.1, NM_001407448.1 and 1 more transcripts); c.2000G>A, p.Arg667Lys (NM_001354897.2); c.1895G>A, p.Arg632Lys (NM_001354898.2); c.1886G>A, p.Arg629Lys (NM_001354899.2); c.1847G>A, p.Arg616Lys (NM_001354900.2); c.1793G>A, p.Arg598Lys (NM_001354901.2, NM_001407453.1); and 11 more; short protein forms R566K, R647K, R657K, R685K, R374K, R574K, R616K, R632K.
Identifiers: ClinVar variation 1783617 (VCV001783617.2), dbSNP rs2149857825, ClinGen allele CA16025621.

ClinVar aggregate classification (germline): Uncertain significance (1 of 4 stars; one submission).

Conditions:
Hereditary cancer-predisposing syndrome. Also called: Neoplastic Syndromes, Hereditary; Tumor predisposition; Hereditary Cancer Syndrome; Hereditary neoplastic syndrome. Identifiers: Orphanet 140162, MedGen C0027672, MeSH D009386, MONDO:0015356.

Submission:

Ambry Genetics
Classification: Uncertain significance for Hereditary cancer-predisposing syndrome. Last evaluated: 2020-07-14. Review status: criteria provided, single submitter. Criteria: Ambry Variant Classification Scheme 2023. Collection method: clinical testing. Allele origin: germline.
Comment: The p.R657K variant (also known as c.1970G>A), located in coding exon 15 of the APC gene, results from a G to A substitution at nucleotide position 1970. The arginine at codon 657 is replaced by lysine, an amino acid with highly similar properties. This amino acid position is highly conserved in available vertebrate species. In addition, in silico predictors for this gene do not accurately predict pathogenicity. Since supporting evidence is limited at this time, the clinical significance of this alteration remains unclear.